The following is an entry in ClinVar:

ClinVar aggregate classification (germline): Pathogenic. Review status: criteria provided, multiple submitters, no conflicts (2 of 4 stars). 3 submissions from 3 submitters: Pathogenic (3). Last evaluated 2024-01-23.

Conditions:
Hereditary cancer-predisposing syndrome. Also called: Tumor predisposition; Hereditary Cancer Syndrome; Neoplastic Syndromes, Hereditary; Hereditary neoplastic syndrome. Identifiers: Orphanet 140162, MedGen C0027672, MeSH D009386, MONDO:0015356.
Familial cancer of breast. Also called: Hereditary breast cancer; hereditary breast carcinoma; BREAST CANCER, FAMILIAL. Identifiers: Orphanet 227535, MedGen C0346153, MONDO:0016419, OMIM 114480. Disease mechanism: loss of function.
Ataxia-telangiectasia syndrome (AT). Also called: Cerebello-oculocutaneous telangiectasia; Immunodeficiency with ataxia telangiectasia; Ataxia-telangiectasia, complementation group D; AT, COMPLEMENTATION GROUP C; Ataxia-telangiectasia, complementation group E; LOUIS-BAR SYNDROME. Identifiers: Orphanet 100, MedGen C0004135, MONDO:0008840, OMIM 208900.

Submissions (3):

Myriad Genetics, Inc.
Classification: Pathogenic for Familial cancer of breast. Last evaluated: 2024-01-23. Review status: criteria provided, single submitter. Criteria: Myriad Autosomal Dominant, Autosomal Recessive and X-Linked Classification Criteria (2023). Collection method: clinical testing. Allele origin: unknown.
Comment: This variant is considered pathogenic. This variant creates a frameshift predicted to result in premature protein truncation.

Labcorp Genetics (formerly Invitae), Labcorp
Classification: Pathogenic for Ataxia-telangiectasia syndrome. Last evaluated: 2023-12-17. Review status: criteria provided, single submitter. Criteria: Invitae Variant Classification Sherloc (09022015). Collection method: clinical testing. Allele origin: germline.
Comment: This sequence change creates a premature translational stop signal (p.His1352Glnfs*31) in the ATM gene. It is expected to result in an absent or disrupted protein product. Loss-of-function variants in ATM are known to be pathogenic (PMID: 23807571, 25614872). This variant is not present in population databases (gnomAD no frequency). This variant has not been reported in the literature in individuals affected with ATM-related conditions. ClinVar contains an entry for this variant (Variation ID: 453499). For these reasons, this variant has been classified as Pathogenic.

Ambry Genetics
Classification: Pathogenic for Hereditary cancer-predisposing syndrome. Last evaluated: 2022-10-17. Review status: criteria provided, single submitter. Criteria: Ambry Variant Classification Scheme 2023. Collection method: clinical testing. Allele origin: germline.
Comment: The c.4056_4065del10 pathogenic mutation, located in coding exon 26 of the ATM gene, results from a deletion of 10 nucleotides at nucleotide positions 4056 to 4065, causing a translational frameshift with a predicted alternate stop codon (p.H1352Qfs*31). This variant is considered to be rare based on population cohorts in the Genome Aggregation Database (gnomAD). This alteration is expected to result in loss of function by premature protein truncation or nonsense-mediated mRNA decay. As such, this alteration is interpreted as a disease-causing mutation.

Literature cited by the submitters: PubMed 23807571 (cited by Labcorp Genetics (formerly Invitae), Labcorp); PubMed 25614872 (cited by Labcorp Genetics (formerly Invitae), Labcorp).

NM_000051.4(ATM):c.4056_4065del (p.His1352fs)

Gene: ATM (ATM serine/threonine kinase; plus strand). Cytogenetic location: 11q22.3.
Variant type: Deletion.
Coding change: c.4056_4065del on transcript NM_000051.4 (MANE Select); coding-DNA positions 4056 to 4065, 10 bases deleted (TGAGCCAGCA; older notation c.4056_4065delTGAGCCAGCA).
Protein change: p.His1352fs; shifts the reading frame from histidine 1352.
Molecular consequence: frameshift variant.
Genome position (GRCh38, 1-based): chr11:108,287,662-108,287,671, TGAGCCAGCA deleted; deleting any 10 consecutive bases within chr11:108,287,660-108,287,671 gives the same sequence; the c. name uses the placement nearest the transcript's 3' end. VCF-style (leftmost placement, unchanged base first): chr11-108287659-ACATGAGCCAG-A. GRCh37 (hg19) VCF-style: chr11-108158386-ACATGAGCCAG-A.
Other names: c.4056_4065del, p.His1352fs (NM_001351834.2); c.4056_4065delTGAGCCAGCA (NM_000051.3); short protein forms H1352fs.
Identifiers: ClinVar variation 453499 (VCV000453499.8), dbSNP rs1555095955, ClinGen allele CA658656280.